The following is an entry in ClinVar:

ClinVar aggregate classification (germline): Uncertain significance (1 of 4 stars; one submission).

Allele frequency attached by ClinVar (database versions not stated): TOPMed below 0.00001.

Submission:

GeneDx
Classification: Uncertain significance. Last evaluated: 2023-04-26. Review status: criteria provided, single submitter. Criteria: GeneDx Variant Classification Process June 2021. Collection method: clinical testing. Allele origin: germline. Affected: yes.
Comment: Not observed at significant frequency in large population cohorts (gnomAD); In silico analysis supports that this missense variant does not alter protein structure/function; Has not been previously published as pathogenic or benign to our knowledge

NM_001374353.1(GLI2):c.1373A>G (p.Gln458Arg)

Gene: GLI2 (GLI family zinc finger 2; plus strand). Cytogenetic location: 2q14.2.
Variant type: single nucleotide variant.
Coding change: c.1373A>G on transcript NM_001374353.1 (MANE Select); coding-DNA position 1373, A replaced by G.
Protein change: p.Gln458Arg; replaces glutamine 458 with arginine.
Molecular consequence: missense variant.
Genome position (GRCh38, 1-based): chr2:120,978,489, A>G. VCF-style: chr2-120978489-A-G. GRCh37 (hg19) VCF-style: chr2-121736065-A-G.
Other names: c.1424A>G, p.Gln475Arg (NM_001371271.1, NM_005270.5); c.998A>G, p.Gln333Arg (NM_001374354.1); short protein forms Q333R, Q458R, Q475R.
Identifiers: ClinVar variation 1675280 (VCV001675280.3), dbSNP rs1682566489, ClinGen allele CA348161494.